The following is an entry in ClinVar:

ClinVar aggregate classification (germline): Pathogenic (1 of 4 stars; one submission).

Conditions:
Duchenne muscular dystrophy (DMD). Also called: Duchenne Muscular Dystrophy (DMD); MUSCULAR DYSTROPHY, PSEUDOHYPERTROPHIC PROGRESSIVE, DUCHENNE TYPE. Identifiers: Orphanet 98896, MedGen C0013264, MONDO:0010679, OMIM 310200.

Submission:

Labcorp Genetics (formerly Invitae), Labcorp
Classification: Pathogenic for Duchenne muscular dystrophy. Last evaluated: 2022-08-09. Review status: criteria provided, single submitter. Criteria: Invitae Variant Classification Sherloc (09022015). Collection method: clinical testing. Allele origin: germline.
Comment: This variant has not been reported in the literature in individuals affected with DMD-related conditions. ClinVar contains an entry for this variant (Variation ID: 1458634). For these reasons, this variant has been classified as Pathogenic. This variant is not present in population databases (gnomAD no frequency). This sequence change creates a premature translational stop signal (p.Glu1345Glyfs*4) in the DMD gene. It is expected to result in an absent or disrupted protein product. Loss-of-function variants in DMD are known to be pathogenic (PMID: 16770791, 25007885).

Literature cited by the submitters: PubMed 16770791; PubMed 25007885.

NM_004006.3(DMD):c.4033dup (p.Glu1345fs)

Gene: DMD (dystrophin; minus strand). Cytogenetic location: Xp21.1.
Variant type: Duplication.
Coding change: c.4033dup on transcript NM_004006.3 (MANE Select); coding-DNA position 4033, one base duplicated (G; older notation c.4033dupG).
Protein change: p.Glu1345fs; shifts the reading frame from glutamic acid 1345.
Molecular consequence: frameshift variant.
Genome position (GRCh38, 1-based): chrX:32,438,279, C duplicated on the plus strand (G on the coding strand, the reverse complement: DMD is on the minus strand). VCF-style (leftmost placement, unchanged base first): chrX-32438278-T-TC. GRCh37 (hg19) VCF-style: chrX-32456395-T-TC.
Other names: c.4009dup, p.Glu1337fs (NM_000109.4); c.4021dup, p.Glu1341fs (NM_004009.3); c.3664dup, p.Glu1222fs (NM_004010.3); short protein forms E1337fs, E1222fs, E1341fs, E1345fs.
Identifiers: ClinVar variation 1458634 (VCV001458634.6), dbSNP rs2148193545, ClinGen allele CA2573158805.